The following is an entry in ClinVar:

NM_004415.4(DSP):c.2035A>G (p.Ile679Val)

Gene: DSP (desmoplakin; plus strand). Cytogenetic location: 6p24.3.
Variant type: single nucleotide variant.
Coding change: c.2035A>G on transcript NM_004415.4 (MANE Select); coding-DNA position 2035, A replaced by G.
Protein change: p.Ile679Val; replaces isoleucine 679 with valine.
Molecular consequence: missense variant.
Genome position (GRCh38, 1-based): chr6:7,571,973, A>G. VCF-style: chr6-7571973-A-G. GRCh37 (hg19) VCF-style: chr6-7572206-A-G.
Other names: c.2035A>G, p.Ile679Val (NM_001008844.3, NM_001319034.2); short protein forms I679V.
Identifiers: ClinVar variation 918191 (VCV000918191.6), dbSNP rs1759070407, ClinGen allele CA362680407.

ClinVar aggregate classification (germline): Uncertain significance. Review status: criteria provided, multiple submitters, no conflicts (2 of 4 stars). 2 submissions from 2 submitters: Uncertain significance (2). Last evaluated 2026-08-31.

Conditions:
Cardiomyopathy (CMYO). Also called: Cardiomyopathies. Identifiers: Orphanet 167848, MedGen C0878544, MONDO:0004994, HP:0001638. Inheritance: Various modes of inheritance.
Cardiovascular phenotype. Identifiers: MedGen CN230736.

Allele frequency attached by ClinVar (database versions not stated): gnomAD exomes below 0.00001.
gnomAD v4.1: 4 of 1,614,194 alleles (0.00025%); highest among the groups gnomAD compares: South Asian, 0.0044%; no homozygotes.

Submissions (2):

Ambry Genetics
Classification: Uncertain significance for Cardiovascular phenotype. Last evaluated: 2026-08-31. Review status: criteria provided, single submitter. Criteria: Ambry Variant Classification Scheme 2023. Collection method: clinical testing. Allele origin: germline.

Color Diagnostics, LLC DBA Color Health
Classification: Uncertain significance for Cardiomyopathy. Last evaluated: 2023-12-05. Review status: criteria provided, single submitter. Criteria: ACMG Guidelines, 2015. Collection method: clinical testing. Allele origin: germline.
Comment: This missense variant replaces isoleucine with valine at codon 679 of the DSP protein. Computational prediction tools and conservation analyses are inconclusive regarding the impact of this variant on the protein function. Computational splicing tools suggest that this variant may impact RNA splicing. To our knowledge, functional assays have not been performed for this variant nor has this variant been reported in individuals affected with cardiovascular disorders in the literature. This variant has not been identified in the general population by the Genome Aggregation Database (gnomAD). Available evidence is insufficient to determine the role of this variant in disease conclusively. Therefore, this variant is classified as a Variant of Uncertain Significance.